The following is an entry in ClinVar:

ClinVar aggregate classification (germline): Conflicting classifications of pathogenicity. Review status: criteria provided, conflicting classifications (1 of 4 stars). 4 submissions from 4 submitters: Uncertain significance (2); Likely benign (2). Last evaluated 2025-08-24.

Conditions:
Hereditary cancer-predisposing syndrome. Also called: Neoplastic Syndromes, Hereditary; Tumor predisposition; Hereditary Cancer Syndrome; Hereditary neoplastic syndrome. Identifiers: Orphanet 140162, MedGen C0027672, MeSH D009386, MONDO:0015356.
Hereditary breast ovarian cancer syndrome. Also called: Hereditary breast and ovarian cancer; Hereditary breast and/or ovarian cancer syndrome; BRCA1- and BRCA2-Associated Hereditary Breast and Ovarian Cancer; Hereditary breast and ovarian cancer syndrome (HBOC); Hereditary breast and ovarian cancer syndrome; Breast and ovarian cancer. Identifiers: Orphanet 145, MedGen C0677776, MeSH D061325, MONDO:0003582. Disease mechanism: loss of function.

Submissions (4):

Labcorp Genetics (formerly Invitae), Labcorp
Classification: Uncertain significance for Hereditary breast ovarian cancer syndrome. Last evaluated: 2025-08-24. Review status: criteria provided, single submitter. Criteria: Invitae Variant Classification Sherloc (09022015). Collection method: clinical testing. Allele origin: germline.
Comment: This sequence change replaces glutamine, which is neutral and polar, with proline, which is neutral and non-polar, at codon 347 of the BRCA2 protein (p.Gln347Pro). This variant is not present in population databases (gnomAD no frequency). This missense change has been observed in individual(s) with breast cancer (PMID: 32772980). ClinVar contains an entry for this variant (Variation ID: 187583). Invitae Evidence Modeling of protein sequence and biophysical properties (such as structural, functional, and spatial information, amino acid conservation, physicochemical variation, residue mobility, and thermodynamic stability) indicates that this missense variant is not expected to disrupt BRCA2 protein function with a negative predictive value of 95%. In summary, the available evidence is currently insufficient to determine the role of this variant in disease. Therefore, it has been classified as a Variant of Uncertain Significance.

University of Washington Department of Laboratory Medicine, University of Washington
Classification: Likely benign for Hereditary cancer-predisposing syndrome. Last evaluated: 2023-03-23. Review status: criteria provided, single submitter. Criteria: Dines et al. (Genet Med. 2020). Collection method: curation. Allele origin: germline.
Comment: Missense variant in a coldspot region where missense variants are very unlikely to be pathogenic (PMID:31911673).

BRCA2 exon 10 coldspot. Reclassification based on statistical prior probability.

Quest Diagnostics Nichols Institute San Juan Capistrano
Classification: Uncertain significance. Last evaluated: 2018-01-19. Review status: criteria provided, single submitter. Criteria: Quest Diagnostics criteria. Collection method: clinical testing. Allele origin: germline.

Ambry Genetics
Classification: Likely benign for Hereditary cancer-predisposing syndrome. Last evaluated: 2014-12-22. Review status: criteria provided, single submitter. Criteria: Ambry Variant Classification Scheme 2023. Collection method: clinical testing. Allele origin: germline.

Literature cited by the submitters: PubMed 32772980 (cited by Labcorp Genetics (formerly Invitae), Labcorp).

NM_000059.4(BRCA2):c.1040A>C (p.Gln347Pro)

Gene: BRCA2 (BRCA2 DNA repair associated; plus strand). Cytogenetic location: 13q13.1.
Variant type: single nucleotide variant.
Coding change: c.1040A>C on transcript NM_000059.4 (MANE Select); coding-DNA position 1040, A replaced by C.
Protein change: p.Gln347Pro; replaces glutamine 347 with proline.
Molecular consequence: missense variant.
Genome position (GRCh38, 1-based): chr13:32,332,518, A>C. VCF-style: chr13-32332518-A-C. GRCh37 (hg19) VCF-style: chr13-32906655-A-C.
Other names: short protein forms Q347P.
Identifiers: ClinVar variation 187583 (VCV000187583.18), dbSNP rs55800493, ClinGen allele CA010632.
Genomic context (GRCh38, chr13:32,332,518, plus strand): 5'-AGACTAGGAAAAAAATTTTCCATGAAGCAAACGCTGATGAATGTGAAAAATCTAAAAACC[A>C]AGTGAAAGAAAAATACTCATTTGTATCTGAAGTGGAACCAAATGATACTGATCCATTAGA-3'
Protein context (NP_000050.3, residues 337-357): NADECEKSKN[Gln347Pro]VKEKYSFVSE